The following is an entry in ClinVar:

ClinVar aggregate classification (germline): Uncertain significance (1 of 4 stars; one submission).

Conditions:
Perlman syndrome (PRLMNS). Identifiers: Orphanet 2849, MedGen C0796113, MONDO:0009965, OMIM 267000.

Allele frequency attached by ClinVar (database versions not stated): gnomAD exomes below 0.00001.
gnomAD v4.1: 1 of 1,613,986 alleles (0.000062%); no homozygotes.

Submission:

Labcorp Genetics (formerly Invitae), Labcorp
Classification: Uncertain significance for Perlman syndrome. Last evaluated: 2019-11-18. Review status: criteria provided, single submitter. Criteria: Invitae Variant Classification Sherloc (09022015). Collection method: clinical testing. Allele origin: germline.
Comment: This variant has not been reported in the literature in individuals with DIS3L2-related conditions. In summary, the available evidence is currently insufficient to determine the role of this variant in disease. Therefore, it has been classified as a Variant of Uncertain Significance. Nucleotide substitutions within the consensus splice site are a relatively common cause of aberrant splicing (PMID: 17576681, 9536098). Algorithms developed to predict the effect of sequence changes on RNA splicing suggest that this variant may disrupt the consensus splice site, but this prediction has not been confirmed by published transcriptional studies. Algorithms developed to predict the effect of missense changes on protein structure and function (SIFT, PolyPhen-2, Align-GVGD) all suggest that this variant is likely to be tolerated, but these predictions have not been confirmed by published functional studies and their clinical significance is uncertain. This variant is not present in population databases (ExAC no frequency). This sequence change replaces glycine with serine at codon 18 of the DIS3L2 protein (p.Gly18Ser). The glycine residue is moderately conserved and there is a small physicochemical difference between glycine and serine. This variant also falls at the last nucleotide of exon 2 of the DIS3L2 coding sequence, which is part of the consensus splice site for this exon.

Literature cited by the submitters: PubMed 17576681; PubMed 9536098.

NM_152383.5(DIS3L2):c.52G>A (p.Gly18Ser)

Gene: DIS3L2 (DIS3 like 3'-5' exoribonuclease 2; plus strand). Cytogenetic location: 2q37.1.
Variant type: single nucleotide variant.
Coding change: c.52G>A on transcript NM_152383.5 (MANE Select); coding-DNA position 52, G replaced by A.
Protein change: p.Gly18Ser; replaces glycine 18 with serine.
Molecular consequence: missense variant. On other transcripts: non-coding transcript variant (2).
Genome position (GRCh38, 1-based): chr2:232,014,979, G>A. VCF-style: chr2-232014979-G-A. GRCh37 (hg19) VCF-style: chr2-232879689-G-A.
Other names: c.52G>A, p.Gly18Ser (NM_001257281.2, NM_001257282.2); short protein forms G18S.
Identifiers: ClinVar variation 847401 (VCV000847401.9), dbSNP rs1694314479, ClinGen allele CA351151120.